The following is an entry in ClinVar:

NM_000027.4(AGA):c.464A>G (p.His155Arg)

Gene: AGA (aspartylglucosaminidase; minus strand). Cytogenetic location: 4q34.3.
Variant type: single nucleotide variant.
Coding change: c.464A>G on transcript NM_000027.4 (MANE Select); coding-DNA position 464, A replaced by G.
Protein change: p.His155Arg; replaces histidine 155 with arginine.
Molecular consequence: missense variant. On other transcripts: non-coding transcript variant (1).
Genome position (GRCh38, 1-based): chr4:177,438,788, T>C on the plus strand (A>G on the coding strand, the complement: AGA is on the minus strand). VCF-style: chr4-177438788-T-C. GRCh37 (hg19) VCF-style: chr4-178359942-T-C.
Other names: c.464A>G, p.His155Arg (NM_001171988.2); short protein forms H155R.
Identifiers: ClinVar variation 1312699 (VCV001312699.2), dbSNP rs1736900896, ClinGen allele CA358783278.

ClinVar aggregate classification (germline): Uncertain significance (1 of 4 stars; one submission).

Allele frequency attached by ClinVar (database versions not stated): gnomAD exomes below 0.00001; TOPMed below 0.00001.
gnomAD v4.1: 2 of 1,611,272 alleles (0.00012%); highest among the groups gnomAD compares: Non-Finnish European, 0.000085%; no homozygotes.

Submission:

GeneDx
Classification: Uncertain significance. Last evaluated: 2020-06-25. Review status: criteria provided, single submitter. Criteria: GeneDx Variant Classification Process June 2021. Collection method: clinical testing. Allele origin: germline. Affected: yes.
Comment: Not observed in large population cohorts (Lek et al., 2016); In silico analysis supports that this missense variant has a deleterious effect on protein structure/function; Has not been previously published as pathogenic or benign to our knowledge